The following is an entry in ClinVar:

NM_004700.4(KCNQ4):c.827G>C (p.Trp276Ser)

Gene: KCNQ4 (potassium voltage-gated channel subfamily Q member 4; plus strand). Cytogenetic location: 1p34.2.
Variant type: single nucleotide variant.
Coding change: c.827G>C on transcript NM_004700.4 (MANE Select); coding-DNA position 827, G replaced by C.
Protein change: p.Trp276Ser; replaces tryptophan 276 with serine.
Molecular consequence: missense variant.
Genome position (GRCh38, 1-based): chr1:40,819,465, G>C. VCF-style: chr1-40819465-G-C. GRCh37 (hg19) VCF-style: chr1-41285137-G-C.
Other names: c.827G>C, p.Trp276Ser (NM_172163.3); short protein forms W276S.
Identifiers: ClinVar variation 6242 (VCV000006242.11), dbSNP rs80358277, ClinGen allele CA340533.

ClinVar aggregate classification (germline): Pathogenic. Review status: criteria provided, single submitter (1 of 4 stars). 5 submissions from 5 submitters: Pathogenic (1). 4 of the submissions do not count toward it. Last evaluated 2014-06-24.

Conditions:
Rare genetic deafness. Identifiers: Orphanet 96210, MedGen C5680250.
Autosomal dominant nonsyndromic hearing loss 2A. Also called: DFNA2 Nonsyndromic Hearing Loss; Deafness, autosomal dominant 2A; Autosomal dominant nonsyndromic deafness 2A. Identifiers: Orphanet 90635, MedGen C2677637, MONDO:0010817, OMIM 600101.

Allele frequency attached by ClinVar (database versions not stated): gnomAD exomes below 0.00001; gnomAD 0.00001.
gnomAD v4.1: 2 of 1,613,692 alleles (0.00012%); highest among the groups gnomAD compares: Non-Finnish European, 0.00017%; no homozygotes.

Submissions (5):

Laboratory for Molecular Medicine, Mass General Brigham Personalized Medicine
Classification: Pathogenic for Rare genetic deafness. Last evaluated: 2014-06-24. Review status: criteria provided, single submitter. Criteria: LMM Criteria. Collection method: clinical testing. Allele origin: germline. Observed: 1 variant allele.
Comment: The Trp276Ser variant in KCNQ4 has been reported in 3 Dutch and 1 Japanese famil ies with autosomal dominant hearing loss, segregated with the disease in over 30 affected relatives (Coucke 1999, Van Camp 2002, Topsakal 2005, Akita 2001), and was absent from large population studies. Additionally, in vitro functional stu dies indicate that the Trp276Ser variant disrupts normal potassium channel funct ion (Baek 2011, Kim 2011, Gao 2013). In summary, the Trp237Ser variant meets our criteria to be classified as pathogenic (lmm) based upon segregation studies, absence from controls, and functional evide nce.

OMIM
Classification: Pathogenic for DEAFNESS, AUTOSOMAL DOMINANT 2A. Last evaluated: 2002-07-01. Review status: no assertion criteria provided. Collection method: literature only. Allele origin: germline. Not counted in ClinVar's aggregate classification.

Clinical Genetics DNA and cytogenetics Diagnostics Lab, Erasmus MC, Erasmus Medical Center
Classification: Pathogenic. Review status: no assertion criteria provided. Collection method: clinical testing. Allele origin: germline. Affected: yes. Study: VKGL Data-share Consensus. Not counted in ClinVar's aggregate classification.

GeneReviews
No classification provided. Condition: Autosomal dominant nonsyndromic hearing loss 2A. Review status: no classification provided. Collection method: literature only. Allele origin: unknown. Not counted in ClinVar's aggregate classification.

Joint Genome Diagnostic Labs from Nijmegen and Maastricht, Radboudumc and MUMC+
Classification: Pathogenic. Review status: no assertion criteria provided. Collection method: clinical testing. Allele origin: germline. Affected: yes. Study: VKGL Data-share Consensus. Not counted in ClinVar's aggregate classification.

Literature cited by the submitters: PubMed 20966080 (cited by Laboratory for Molecular Medicine, Mass General Brigham Personalized Medicine); PubMed 15699719 (cited by Laboratory for Molecular Medicine, Mass General Brigham Personalized Medicine); PubMed 12112653 (cited by 3 submitters); PubMed 23750663 (cited by Laboratory for Molecular Medicine, Mass General Brigham Personalized Medicine); PubMed 22384008 (cited by Laboratory for Molecular Medicine, Mass General Brigham Personalized Medicine); PubMed 10369879 (cited by Laboratory for Molecular Medicine, Mass General Brigham Personalized Medicine and GeneReviews); PubMed 11450843 (cited by 3 submitters); PubMed 20832469 (cited by Laboratory for Molecular Medicine, Mass General Brigham Personalized Medicine); PubMed 8035838 (cited by OMIM); PubMed 11915881 (cited by GeneReviews); PubMed 20301388 (cited by GeneReviews); NCBI Bookshelf NBK1209 (cited by GeneReviews).